The following is an entry in ClinVar:

ClinVar aggregate classification (germline): Pathogenic (1 of 4 stars; one submission).

Conditions:
Classic or attenuated familial adenomatous polyposis. Identifiers: MedGen CN372698, MONDO:0021057.

Submission:

All of Us Research Program, National Institutes of Health
Classification: Pathogenic for Classic or attenuated familial adenomatous polyposis. Last evaluated: 2024-09-16. Review status: criteria provided, single submitter. Criteria: ACMG Guidelines, 2015. Collection method: clinical testing. Allele origin: germline. Inheritance: Autosomal dominant inheritance. Observed: 1 variant allele, 1 heterozygote.
Comment: This variant deletes 5 nucleotides in exon 16 of the APC gene, creating a frameshift and premature translation stop signal in the last coding exon. This variant is predicted to escape nonsense-mediated decay and be expressed as a truncated protein. Although functional studies have not been reported, this variant is expected to disrupt the EB1-binding and HDLG-binding sites (PMID: 17881494). To our knowledge, this variant has not been reported in individuals affected with APC-related disorders in the literature. This variant has not been identified in the general population by the Genome Aggregation Database (gnomAD). Loss of APC function is a known mechanism of disease. Based on the available evidence, this variant is classified as Pathogenic.

This study involves interpretation of variants in research participants for the purpose of population health screening. Participant phenotype was not available at the time of variant classification. Additional details can be found in publication PMID: 35346344, PMCID: PMC8962531

Literature cited by the submitters: PubMed 17881494.

NM_000038.6(APC):c.7807_7811del (p.Glu2603fs)

Gene: APC (APC regulator of WNT signaling pathway; plus strand). Cytogenetic location: 5q22.2.
Variant type: Deletion.
Coding change: c.7807_7811del on transcript NM_000038.6 (MANE Select); coding-DNA positions 7807 to 7811, 5 bases deleted (GAAAA; older notation c.7807_7811delGAAAA).
Protein change: p.Glu2603fs; shifts the reading frame from glutamic acid 2603.
Molecular consequence: frameshift variant. On other transcripts: non-coding transcript variant (2).
Genome position (GRCh38, 1-based): chr5:112,843,401-112,843,405, GAAAA deleted; deleting any 5 consecutive bases within chr5:112,843,398-112,843,405 gives the same sequence; the c. name uses the placement nearest the transcript's 3' end. VCF-style (leftmost placement, unchanged base first): chr5-112843397-TAAAGA-T. GRCh37 (hg19) VCF-style: chr5-112179094-TAAAGA-T.
Other names: c.7807_7811del, p.Glu2603fs (NM_001127510.3, NM_001354895.2, NM_001407450.1); c.7753_7757del, p.Glu2585fs (NM_001127511.3); c.7861_7865del, p.Glu2621fs (NM_001354896.2, NM_001407447.1, NM_001407448.1 and 1 more transcripts); c.7837_7841del, p.Glu2613fs (NM_001354897.2); c.7732_7736del, p.Glu2578fs (NM_001354898.2); c.7723_7727del, p.Glu2575fs (NM_001354899.2); c.7684_7688del, p.Glu2562fs (NM_001354900.2); c.7630_7634del, p.Glu2544fs (NM_001354901.2, NM_001407453.1); and 11 more; short protein forms E2219fs, E2320fs, E2443fs, E2474fs, E2477fs, E2502fs, E2512fs, E2520fs.
Identifiers: ClinVar variation 3387085 (VCV003387085.1).
Genomic context (GRCh38, chr5:112,843,397, plus strand): 5'-TGAAAAAGCAAAAAGTGAGGATGAAAAACATGTGAACTCTATTTCAGGAACCAAACAAAG[TAAAGA>T]AAACCAAGTATCCGCAAAAGGAACATGGAGAAAAATAAAAGAAAATGAATTTTCTCCCAC-3'